The following is an entry in ClinVar:

NM_052945.4(TNFRSF13C):c.264_275dup (p.88ALVL[3])

Genes: TNFRSF13C (TNF receptor superfamily member 13C; minus strand), LOC130067574 (ATAC-STARR-seq lymphoblastoid silent region 13813; plus strand). Cytogenetic location: 22q13.2.
Variant type: Duplication.
Coding change: c.264_275dup on transcript NM_052945.4 (MANE Select); coding-DNA positions 264 to 275, 12 bases duplicated (ACTGGTCCTGGC).
Protein change: p.88ALVL[3].
Molecular consequence: inframe insertion.
Genome position (GRCh38, 1-based): chr22:41,926,193-41,926,204, GCCAGGACCAGT duplicated on the plus strand (ACTGGTCCTGGC on the coding strand, the reverse complement: TNFRSF13C is on the minus strand); duplicating any 12 consecutive bases within chr22:41,926,193-41,926,210 gives the same sequence; the c. name uses the placement nearest the transcript's 3' end. VCF-style (leftmost placement, unchanged base first): chr22-41926192-C-CGCCAGGACCAGT. GRCh37 (hg19) VCF-style: chr22-42322196-C-CGCCAGGACCAGT.
Identifiers: ClinVar variation 1009610 (VCV001009610.5), dbSNP rs776259962, ClinGen allele CA10262492.

ClinVar aggregate classification (germline): Uncertain significance (1 of 4 stars; one submission).

Conditions:
Immunodeficiency, common variable, 4. Also called: ANTIBODY DEFICIENCY DUE TO BAFFR DEFECT. Identifiers: Orphanet 1572, Orphanet 696925, MedGen C3150739, MONDO:0013284, OMIM 613494.

Submission:

Labcorp Genetics (formerly Invitae), Labcorp
Classification: Uncertain significance for Immunodeficiency, common variable, 4. Last evaluated: 2025-03-05. Review status: criteria provided, single submitter. Criteria: Invitae Variant Classification Sherloc (09022015). Collection method: clinical testing. Allele origin: germline.
Comment: This variant, c.264_275dup, results in the insertion of 4 amino acid(s) of the TNFRSF13C protein (p.Ala92_Leu95dup), but otherwise preserves the integrity of the reading frame. This variant is present in population databases (rs776259962, gnomAD 0.007%). This variant has not been reported in the literature in individuals affected with TNFRSF13C-related conditions. ClinVar contains an entry for this variant (Variation ID: 1009610). Experimental studies and prediction algorithms are not available or were not evaluated, and the functional significance of this variant is currently unknown. In summary, the available evidence is currently insufficient to determine the role of this variant in disease. Therefore, it has been classified as a Variant of Uncertain Significance.